The following is an entry in ClinVar:

ClinVar aggregate classification (germline): Likely pathogenic. Review status: criteria provided, multiple submitters, no conflicts (2 of 4 stars). 4 submissions from 4 submitters: Likely pathogenic (3). 1 of the submissions does not count toward it. Last evaluated 2024-10-01.

Conditions:
Achromatopsia. Also called: Rod monochromatism. Identifiers: Orphanet 49382, MedGen C0152200, MONDO:0018852, HP:0011516.
Achromatopsia 2 (ACHM2). Also called: COLORBLINDNESS, TOTAL; ROD MONOCHROMACY 2; ROD MONOCHROMATISM 2. Identifiers: Orphanet 49382, MedGen C1857618, MONDO:0009003, OMIM 216900.

Allele frequency attached by ClinVar (database versions not stated): gnomAD exomes below 0.00001.
gnomAD v4.1: 2 of 1,614,228 alleles (0.00012%); highest among the groups gnomAD compares: South Asian, 0.0022%; no homozygotes.

Submissions (4):

Lab De Baere, Eye and Developmental Genetics Lab, Ghent University
Classification: Likely pathogenic for Achromatopsia. Last evaluated: 2024-10-01. Review status: criteria provided, single submitter. Criteria: ACMG Guidelines, 2015. Collection method: research. Allele origin: inherited. Affected: yes. Observed: 1 variant allele.
Comment: ACMG/AMP guidelines: PM2, PP3, PM1, PP1_PM, PM3_1

Labcorp Genetics (formerly Invitae), Labcorp
Classification: Likely pathogenic. Last evaluated: 2024-04-25. Review status: criteria provided, single submitter. Criteria: Invitae Variant Classification Sherloc (09022015). Collection method: clinical testing. Allele origin: germline.
Comment: This sequence change replaces asparagine, which is neutral and polar, with serine, which is neutral and polar, at codon 276 of the CNGA3 protein (p.Asn276Ser). This variant is not present in population databases (gnomAD no frequency). This missense change has been observed in individuals with clinical features of achromatopsia (PMID: 21912902, 35456423, 35754085). ClinVar contains an entry for this variant (Variation ID: 156335). Advanced modeling of protein sequence and biophysical properties (such as structural, functional, and spatial information, amino acid conservation, physicochemical variation, residue mobility, and thermodynamic stability) performed at Invitae indicates that this missense variant is expected to disrupt CNGA3 protein function with a positive predictive value of 95%. Experimental studies have shown that this missense change affects CNGA3 function (PMID: 35456423). In summary, the currently available evidence indicates that the variant is pathogenic, but additional data are needed to prove that conclusively. Therefore, this variant has been classified as Likely Pathogenic.

Institute of Medical Genetics and Applied Genomics, University Hospital Tübingen
Classification: Likely pathogenic. Last evaluated: 2021-06-17. Review status: criteria provided, single submitter. Criteria: ACMG Guidelines, 2015. Collection method: clinical testing. Allele origin: germline. Inheritance: Autosomal recessive inheritance. Affected: yes.

ClinVar Staff, National Center for Biotechnology Information (NCBI)
No classification provided. Condition: Achromatopsia 2. Review status: no classification provided. Collection method: not provided. Allele origin: germline. Not counted in ClinVar's aggregate classification.
Comment: Identified in 2/4 consanguineous Pakistani families with achromatopsia after homozygosity mapping and exome sequencing.

Literature cited by the submitters: PubMed 21912902 (cited by Labcorp Genetics (formerly Invitae), Labcorp); PubMed 35456423 (cited by Labcorp Genetics (formerly Invitae), Labcorp); PubMed 35754085 (cited by Labcorp Genetics (formerly Invitae), Labcorp).

NM_001298.3(CNGA3):c.827A>G (p.Asn276Ser)

Gene: CNGA3 (cyclic nucleotide gated channel subunit alpha 3; plus strand). Cytogenetic location: 2q11.2.
Variant type: single nucleotide variant.
Coding change: c.827A>G on transcript NM_001298.3 (MANE Select); coding-DNA position 827, A replaced by G.
Protein change: p.Asn276Ser; replaces asparagine 276 with serine.
Molecular consequence: missense variant.
Genome position (GRCh38, 1-based): chr2:98,395,997, A>G. VCF-style: chr2-98395997-A-G. GRCh37 (hg19) VCF-style: chr2-99012460-A-G.
Other names: c.773A>G, p.Asn258Ser (NM_001079878.2); short protein forms N276S, N258S.
Identifiers: ClinVar variation 156335 (VCV000156335.7), dbSNP rs199474697, ClinGen allele CA270749.